The following is an entry in ClinVar:

NM_004304.5(ALK):c.3095C>A (p.Pro1032Gln)

Gene: ALK (ALK receptor tyrosine kinase; minus strand). Cytogenetic location: 2p23.2.
Variant type: single nucleotide variant.
Coding change: c.3095C>A on transcript NM_004304.5 (MANE Select); coding-DNA position 3095, C replaced by A.
Protein change: p.Pro1032Gln; replaces proline 1032 with glutamine.
Molecular consequence: missense variant.
Genome position (GRCh38, 1-based): chr2:29,225,538, G>T on the plus strand (C>A on the coding strand, the complement: ALK is on the minus strand). VCF-style: chr2-29225538-G-T. GRCh37 (hg19) VCF-style: chr2-29448404-G-T.
Other names: c.3095C>A (NM_004304.4); short protein forms P1032Q.
Identifiers: ClinVar variation 1487852 (VCV001487852.7), dbSNP rs752256731, ClinGen allele CA346467014.

ClinVar aggregate classification (germline): Uncertain significance. Review status: criteria provided, multiple submitters, no conflicts (2 of 4 stars). 2 submissions from 2 submitters: Uncertain significance (2). Last evaluated 2025-05-19.

Conditions:
Neuroblastoma, susceptibility to, 3. Also called: ALK-Related Neuroblastic Tumor Susceptibility. Identifiers: Orphanet 635, MedGen C2751681, MONDO:0013083, OMIM 613014.
Hereditary cancer-predisposing syndrome. Also called: Neoplastic Syndromes, Hereditary; Tumor predisposition; Hereditary neoplastic syndrome; Hereditary Cancer Syndrome. Identifiers: Orphanet 140162, MedGen C0027672, MeSH D009386, MONDO:0015356.

Submissions (2):

Ambry Genetics
Classification: Uncertain significance for Hereditary cancer-predisposing syndrome. Last evaluated: 2025-05-19. Review status: criteria provided, single submitter. Criteria: Ambry Variant Classification Scheme 2023. Collection method: clinical testing. Allele origin: germline.

Labcorp Genetics (formerly Invitae), Labcorp
Classification: Uncertain significance for Neuroblastoma, susceptibility to, 3. Last evaluated: 2021-10-07. Review status: criteria provided, single submitter. Criteria: Invitae Variant Classification Sherloc (09022015). Collection method: clinical testing. Allele origin: germline.
Comment: This sequence change replaces proline with glutamine at codon 1032 of the ALK protein (p.Pro1032Gln). The proline residue is highly conserved and there is a moderate physicochemical difference between proline and glutamine. This variant is not present in population databases (ExAC no frequency). This variant has not been reported in the literature in individuals affected with ALK-related conditions. Algorithms developed to predict the effect of missense changes on protein structure and function (SIFT, PolyPhen-2, Align-GVGD) all suggest that this variant is likely to be disruptive. In summary, the available evidence is currently insufficient to determine the role of this variant in disease. Therefore, it has been classified as a Variant of Uncertain Significance.